The following is an entry in ClinVar:

NM_015693.4(INTU):c.826C>T (p.Gln276Ter)

Gene: INTU (inturned planar cell polarity protein; plus strand). Cytogenetic location: 4q28.1.
Variant type: single nucleotide variant.
Coding change: c.826C>T on transcript NM_015693.4 (MANE Select); coding-DNA position 826, C replaced by T.
Protein change: p.Gln276Ter; replaces glutamine 276 with a stop codon.
Molecular consequence: nonsense.
Genome position (GRCh38, 1-based): chr4:127,663,438, C>T. VCF-style: chr4-127663438-C-T. GRCh37 (hg19) VCF-style: chr4-128584593-C-T.
Other names: short protein forms Q276*.
Identifiers: ClinVar variation 504483 (VCV000504483.7), dbSNP rs373900644, ClinGen allele CA3074906.

ClinVar aggregate classification (germline): Conflicting classifications of pathogenicity. Review status: criteria provided, conflicting classifications (1 of 4 stars). 3 submissions from 3 submitters: Likely pathogenic (1); Uncertain significance (1). 1 of the submissions does not count toward it. Last evaluated 2024-09-14.

Conditions:
Short-rib thoracic dysplasia 7/20 with polydactyly, digenic. Identifiers: MedGen C4747658, MONDO:0800356.
Short-rib thoracic dysplasia 20 with polydactyly. Identifiers: MedGen C4693616, MONDO:0044328, OMIM 617925.

Allele frequency attached by ClinVar (database versions not stated): gnomAD exomes 0.00001; ExAC 0.00002; gnomAD 0.00003; TOPMed 0.00003; ESP Exome Variant Server 0.00008.
gnomAD v4.1: 18 of 1,613,128 alleles (0.0011%); highest among the groups gnomAD compares: Non-Finnish European, 0.0014%; no homozygotes.

Submissions (3):

Labcorp Genetics (formerly Invitae), Labcorp
Classification: Uncertain significance. Last evaluated: 2024-09-14. Review status: criteria provided, single submitter. Criteria: Invitae Variant Classification Sherloc (09022015). Collection method: clinical testing. Allele origin: germline.
Comment: This sequence change creates a premature translational stop signal (p.Gln276*) in the INTU gene. It is expected to result in an absent or disrupted protein product. However, the current clinical and genetic evidence is not sufficient to establish whether loss-of-function variants in INTU cause disease. This variant is present in population databases (rs373900644, gnomAD 0.003%). This premature translational stop signal has been observed in individual(s) with short-rib polydactyly syndrome (PMID: 27158779). ClinVar contains an entry for this variant (Variation ID: 504483). Algorithms developed to predict the effect of sequence changes on RNA splicing suggest that this variant may disrupt the consensus splice site. In summary, the available evidence is currently insufficient to determine the role of this variant in disease. Therefore, it has been classified as a Variant of Uncertain Significance.

SIB Swiss Institute of Bioinformatics
Classification: Likely pathogenic for Short-rib thoracic dysplasia 20 with polydactyly. Last evaluated: 2018-10-15. Review status: criteria provided, single submitter. Criteria: ACMG Guidelines, 2015. Collection method: curation. Allele origin: unknown.
Comment: This variant is interpreted as Likely Pathogenic, for Short-rib thoracic dysplasia 7/20 with polydactyly, digenic. The following ACMG Tag(s) were applied: PM2 => Absent from controls (or at extremely low frequency if recessive) in Exome Sequencing Project, 1000 Genomes Project, or Exome Aggregation Consortium. PM3 => For recessive disorders, detected in trans with a pathogenic variant (PubMed 27158779). PVS1-Moderate => PVS1 downgraded in strength to Moderate.

OMIM
Classification: Pathogenic for SHORT-RIB THORACIC DYSPLASIA 20/7 WITH POLYDACTYLY, DIGENIC (1 patient). Last evaluated: 2018-04-02. Review status: no assertion criteria provided. Collection method: literature only. Allele origin: germline. Not counted in ClinVar's aggregate classification.

Literature cited by the submitters: PubMed 27158779 (cited by 3 submitters).